The following is an entry in ClinVar:

NM_201525.4(ADGRG1):c.1016C>T (p.Pro339Leu)

Gene: ADGRG1 (adhesion G protein-coupled receptor G1; plus strand). Cytogenetic location: 16q21.
Variant type: single nucleotide variant.
Coding change: c.1016C>T on transcript NM_201525.4 (MANE Select); coding-DNA position 1016, C replaced by T.
Protein change: p.Pro339Leu; replaces proline 339 with leucine.
Molecular consequence: missense variant.
Genome position (GRCh38, 1-based): chr16:57,655,991, C>T. VCF-style: chr16-57655991-C-T. GRCh37 (hg19) VCF-style: chr16-57689903-C-T.
Other names: c.1016C>T, p.Pro339Leu (NM_001145770.3, NM_001145771.3, NM_001145772.3 and 16 more transcripts); c.1031C>T, p.Pro344Leu (NM_001145773.3, NM_001370433.1); c.506C>T, p.Pro169Leu (NM_001290142.2); c.491C>T, p.Pro164Leu (NM_001290143.2, NM_001290144.2, NM_001370451.1 and 2 more transcripts); c.860C>T, p.Pro287Leu (NM_001370442.1); short protein forms P287L, P339L, P164L, P344L, P169L.
Identifiers: ClinVar variation 1030010 (VCV001030010.1), dbSNP rs575505827, ClinGen allele CA8078591.

ClinVar aggregate classification (germline): Uncertain significance (1 of 4 stars; one submission).

Conditions:
Bilateral frontoparietal polymicrogyria. Also called: CORTICAL DYSPLASIA, COMPLEX, WITH OTHER BRAIN MALFORMATIONS 14A (BILATERAL FRONTOPARIETAL); CEREBELLAR ATAXIA WITH NEURONAL MIGRATION DEFECT. Identifiers: Orphanet 101070, MedGen C1847352, MONDO:0011738, OMIM 606854.

Allele frequency attached by ClinVar (database versions not stated): gnomAD 0.00001 and 0.00002; gnomAD exomes 0.00002 and 0.00004; TOPMed 0.00003; ExAC 0.00005; 1000 Genomes Project 30x 0.00016; 1000 Genomes Project 0.00020.
gnomAD v4.1: 30 of 1,613,966 alleles (0.0019%); highest among the groups gnomAD compares: South Asian, 0.018%; no homozygotes.

Submission:

Baylor Genetics
Classification: Uncertain significance for Bilateral frontoparietal polymicrogyria. Last evaluated: 2019-03-27. Review status: criteria provided, single submitter. Criteria: ACMG Guidelines, 2015. Collection method: clinical testing. Allele origin: unknown. Affected: yes.
Comment: This variant was determined to be of uncertain significance according to ACMG Guidelines, 2015 [PMID:25741868].